The following is an entry in ClinVar:

NM_000043.6(FAS):c.476_489del (p.Leu159fs)

Gene: FAS (Fas cell surface death receptor; plus strand). Cytogenetic location: 10q23.31.
Variant type: Deletion.
Coding change: c.476_489del on transcript NM_000043.6 (MANE Select); coding-DNA positions 476 to 489, 14 bases deleted (TCACCAGCAACACC).
Protein change: p.Leu159fs; shifts the reading frame from leucine 159.
Molecular consequence: frameshift variant. On other transcripts: non-coding transcript variant (7).
Genome position (GRCh38, 1-based): chr10:89,010,571-89,010,584, TCACCAGCAACACC deleted; deleting any 14 consecutive bases within chr10:89,010,570-89,010,584 gives the same sequence; the c. name uses the placement nearest the transcript's 3' end. VCF-style (leftmost placement, unchanged base first): chr10-89010569-ACTCACCAGCAACAC-A. GRCh37 (hg19) VCF-style: chr10-90770326-ACTCACCAGCAACAC-A.
Other names: c.476_489del, p.Leu159fs (NM_001320619.2, NM_152871.4, NM_152872.4); c.521_534del, p.Leu174fs (NM_001410956.1); short protein forms L159fs, L174fs.
Identifiers: ClinVar variation 2807693 (VCV002807693.3), dbSNP rs2495153923, ClinGen allele CA2739275909.

ClinVar aggregate classification (germline): Pathogenic (1 of 4 stars; one submission).

Conditions:
Autoimmune lymphoproliferative syndrome type 1. Also called: AUTOIMMUNE LYMPHOPROLIFERATIVE SYNDROME, TYPE I, AUTOSOMAL DOMINANT. Identifiers: Orphanet 3261, MedGen C2717884, MONDO:0011158, OMIM 601859.

Submission:

Labcorp Genetics (formerly Invitae), Labcorp
Classification: Pathogenic for Autoimmune lymphoproliferative syndrome. Last evaluated: 2026-01-24. Review status: criteria provided, single submitter. Criteria: Invitae Variant Classification Sherloc (09022015). Collection method: clinical testing. Allele origin: germline.
Comment: This sequence change creates a premature translational stop signal (p.Leu159Glnfs*10) in the FAS gene. It is expected to result in an absent or disrupted protein product. Loss-of-function variants in FAS are known to be pathogenic (PMID: 10875918, 22237435). This variant is not present in population databases (gnomAD no frequency). This premature translational stop signal has been observed in individual(s) with autoimmune lymphoproliferative syndrome (PMID: 22237435). ClinVar contains an entry for this variant (Variation ID: 2807693). For these reasons, this variant has been classified as Pathogenic.

Literature cited by the submitters: PubMed 10875918; PubMed 22237435.